The following is an entry in ClinVar:

NM_000038.6(APC):c.2454C>A (p.Asn818Lys)

Gene: APC (APC regulator of Wnt signaling pathway; plus strand). Cytogenetic location: 5q22.2.
Variant type: single nucleotide variant.
Coding change: c.2454C>A on transcript NM_000038.6 (MANE Select); coding-DNA position 2454, C replaced by A.
Protein change: p.Asn818Lys; replaces asparagine 818 with lysine.
Molecular consequence: missense variant. On other transcripts: non-coding transcript variant (2).
Genome position (GRCh38, 1-based): chr5:112,838,048, C>A. VCF-style: chr5-112838048-C-A. GRCh37 (hg19) VCF-style: chr5-112173745-C-A.
Other names: c.2454C>A, p.Asn818Lys (NM_001127510.3, NM_001354895.2, NM_001407450.1); c.2400C>A, p.Asn800Lys (NM_001127511.3); c.2508C>A, p.Asn836Lys (NM_001354896.2, NM_001407447.1, NM_001407448.1 and 1 more transcripts); c.2484C>A, p.Asn828Lys (NM_001354897.2); c.2379C>A, p.Asn793Lys (NM_001354898.2); c.2370C>A, p.Asn790Lys (NM_001354899.2); c.2331C>A, p.Asn777Lys (NM_001354900.2); c.2277C>A, p.Asn759Lys (NM_001354901.2, NM_001407453.1); and 11 more; short protein forms N434K, N535K, N658K, N689K, N692K, N717K, N727K, N735K.
Identifiers: ClinVar variation 4860343 (VCV004860343.1).

ClinVar aggregate classification (germline): Uncertain significance (1 of 4 stars; one submission).

Conditions:
Hereditary cancer-predisposing syndrome. Also called: Neoplastic Syndromes, Hereditary; Tumor predisposition; Hereditary Cancer Syndrome; Hereditary neoplastic syndrome. Identifiers: Orphanet 140162, MedGen C0027672, MeSH D009386, MONDO:0015356.

Submission:

Ambry Genetics
Classification: Uncertain significance for Hereditary cancer-predisposing syndrome. Last evaluated: 2026-06-09. Review status: criteria provided, single submitter. Criteria: Ambry Variant Classification Scheme 2023. Collection method: clinical testing. Allele origin: germline.
Comment: The p.N818K variant (also known as c.2454C>A), located in coding exon 15 of the APC gene, results from a C to A substitution at nucleotide position 2454. The asparagine at codon 818 is replaced by lysine, an amino acid with similar properties. This amino acid position is conserved. In addition, in silico predictors for this gene do not accurately predict pathogenicity. Based on the available evidence, the clinical significance of this variant remains unclear.